The following is an entry in ClinVar:

ClinVar aggregate classification (germline): Likely benign. Review status: criteria provided, multiple submitters, no conflicts (2 of 4 stars). 3 submissions from 3 submitters: Likely benign (2). 1 of the submissions does not count toward it. Last evaluated 2026-01-26.

Conditions:
CCDC39-related disorder. Also called: CCDC39-related condition.
Primary ciliary dyskinesia. Also called: Ciliary dyskinesia. Identifiers: Orphanet 244, MedGen C0008780, MONDO:0016575, HP:0012265.

Allele frequency attached by ClinVar (database versions not stated): gnomAD exomes 0.00010; ExAC 0.00015; 1000 Genomes Project 30x 0.00047; gnomAD 0.00050 and 0.00053; TOPMed 0.00057; ESP Exome Variant Server 0.00059; 1000 Genomes Project 0.00060.
gnomAD v4.1: 138 of 1,612,186 alleles (0.0086%); highest among the groups gnomAD compares: African/African-American, 0.16%; 1 homozygote.

Submissions (3):

Labcorp Genetics (formerly Invitae), Labcorp
Classification: Likely benign for Primary ciliary dyskinesia. Last evaluated: 2026-01-26. Review status: criteria provided, single submitter. Criteria: Invitae Variant Classification Sherloc (09022015). Collection method: clinical testing. Allele origin: germline.

Blueprint Genetics
Classification: Likely benign. Last evaluated: 2024-07-30. Review status: criteria provided, single submitter. Criteria: ACMG Guidelines, 2015. Collection method: clinical testing. Allele origin: germline.

PreventionGenetics, part of Exact Sciences
Classification: Likely benign for CCDC39-related condition. Last evaluated: 2019-05-06. Review status: no assertion criteria provided. Collection method: clinical testing. Allele origin: germline. Not counted in ClinVar's aggregate classification.
Comment: This variant is classified as likely benign based on ACMG/AMP sequence variant interpretation guidelines (Richards et al. 2015 PMID: 25741868, with internal and published modifications).

NM_181426.2(CCDC39):c.162T>C (p.Ser54=)

Gene: CCDC39 (coiled-coil domain 39 molecular ruler complex subunit; minus strand). Cytogenetic location: 3q26.33.
Variant type: single nucleotide variant.
Coding change: c.162T>C on transcript NM_181426.2 (MANE Select); coding-DNA position 162, T replaced by C.
Protein change: p.Ser54=; no amino-acid change (serine 54 retained).
Molecular consequence: synonymous variant.
Genome position (GRCh38, 1-based): chr3:180,663,915, A>G on the plus strand (T>C on the coding strand, the complement: CCDC39 is on the minus strand). VCF-style: chr3-180663915-A-G. GRCh37 (hg19) VCF-style: chr3-180381703-A-G.
Identifiers: ClinVar variation 455012 (VCV000455012.15), dbSNP rs201308407, ClinGen allele CA2716234.